The following is an entry in ClinVar:

NM_006019.4(TCIRG1):c.1420T>G (p.Ser474Ala)

Gene: TCIRG1 (T cell immune regulator 1, ATPase H+ transporting V0 subunit a3; plus strand). Cytogenetic location: 11q13.2.
Variant type: single nucleotide variant.
Coding change: c.1420T>G on transcript NM_006019.4 (MANE Select); coding-DNA position 1420, T replaced by G.
Protein change: p.Ser474Ala; replaces serine 474 with alanine.
Molecular consequence: missense variant.
Genome position (GRCh38, 1-based): chr11:68,047,761, T>G. VCF-style: chr11-68047761-T-G. GRCh37 (hg19) VCF-style: chr11-67815228-T-G.
Other names: c.526T>G, p.Ser176Ala (NM_001351059.2); c.772T>G, p.Ser258Ala (NM_006053.4); c.1420T>G (NM_006019.3); short protein forms S258A, S474A, S176A.
Identifiers: ClinVar variation 1433348 (VCV001433348.8), dbSNP rs756009951, ClinGen allele CA6147100.

ClinVar aggregate classification (germline): Uncertain significance. Review status: criteria provided, multiple submitters, no conflicts (2 of 4 stars). 2 submissions from 2 submitters: Uncertain significance (2). Last evaluated 2025-11-22.

Conditions:
Inborn genetic diseases. Identifiers: MedGen C0950123, MeSH D030342.

Allele frequency attached by ClinVar (database versions not stated): TOPMed 0.00002; gnomAD exomes 0.00004 and 0.00009; ExAC 0.00006.
gnomAD v4.1: 25 of 1,613,116 alleles (0.0015%); highest among the groups gnomAD compares: Admixed American, 0.04%; no homozygotes.

Submissions (2):

Labcorp Genetics (formerly Invitae), Labcorp
Classification: Uncertain significance. Last evaluated: 2025-11-22. Review status: criteria provided, single submitter. Criteria: Invitae Variant Classification Sherloc (09022015). Collection method: clinical testing. Allele origin: germline.
Comment: This sequence change replaces serine, which is neutral and polar, with alanine, which is neutral and non-polar, at codon 474 of the TCIRG1 protein (p.Ser474Ala). This variant is present in population databases (rs756009951, gnomAD 0.07%). This variant has not been reported in the literature in individuals affected with TCIRG1-related conditions. ClinVar contains an entry for this variant (Variation ID: 1433348). Invitae Evidence Modeling of protein sequence and biophysical properties (such as structural, functional, and spatial information, amino acid conservation, physicochemical variation, residue mobility, and thermodynamic stability) indicates that this missense variant is expected to disrupt TCIRG1 protein function with a positive predictive value of 80%. In summary, the available evidence is currently insufficient to determine the role of this variant in disease. Therefore, it has been classified as a Variant of Uncertain Significance.

Ambry Genetics
Classification: Uncertain significance for Inborn genetic diseases. Last evaluated: 2025-11-07. Review status: criteria provided, single submitter. Criteria: Ambry Variant Classification Scheme 2023. Collection method: clinical testing. Allele origin: germline.